The following is an entry in ClinVar:

NM_006947.4(SRP72):c.278G>A (p.Arg93Lys)

Gene: SRP72 (signal recognition particle 72; plus strand). Cytogenetic location: 4q12.
Variant type: single nucleotide variant.
Coding change: c.278G>A on transcript NM_006947.4 (MANE Select); coding-DNA position 278, G replaced by A.
Protein change: p.Arg93Lys; replaces arginine 93 with lysine.
Molecular consequence: missense variant. On other transcripts: non-coding transcript variant (1).
Genome position (GRCh38, 1-based): chr4:56,471,767, G>A. VCF-style: chr4-56471767-G-A. GRCh37 (hg19) VCF-style: chr4-57337933-G-A.
Other names: c.278G>A (NM_006947.3); c.278G>A, p.Arg93Lys (NM_001267722.2); short protein forms R93K.
Identifiers: ClinVar variation 2899563 (VCV002899563.4), dbSNP rs766639150, ClinGen allele CA356996114.

ClinVar aggregate classification (germline): Uncertain significance. Review status: criteria provided, multiple submitters, no conflicts (2 of 4 stars). 2 submissions from 2 submitters: Uncertain significance (2). Last evaluated 2025-09-23.

Allele frequency attached by ClinVar (database versions not stated): gnomAD exomes below 0.00001.
gnomAD v4.1: 4 of 1,614,058 alleles (0.00025%); highest among the groups gnomAD compares: Non-Finnish European, 0.00034%; no homozygotes.

Submissions (2):

Labcorp Genetics (formerly Invitae), Labcorp
Classification: Uncertain significance. Last evaluated: 2025-09-23. Review status: criteria provided, single submitter. Criteria: Invitae Variant Classification Sherloc (09022015). Collection method: clinical testing. Allele origin: germline.
Comment: This sequence change replaces arginine, which is basic and polar, with lysine, which is basic and polar, at codon 93 of the SRP72 protein (p.Arg93Lys). This variant is not present in population databases (gnomAD no frequency). This variant has not been reported in the literature in individuals affected with SRP72-related conditions. ClinVar contains an entry for this variant (Variation ID: 2899563). Invitae Evidence Modeling of protein sequence and biophysical properties (such as structural, functional, and spatial information, amino acid conservation, physicochemical variation, residue mobility, and thermodynamic stability) indicates that this missense variant is not expected to disrupt SRP72 protein function with a negative predictive value of 80%. In summary, the available evidence is currently insufficient to determine the role of this variant in disease. Therefore, it has been classified as a Variant of Uncertain Significance.

Ambry Genetics
Classification: Uncertain significance. Last evaluated: 2025-09-18. Review status: criteria provided, single submitter. Criteria: Ambry Variant Classification Scheme 2023. Collection method: clinical testing. Allele origin: germline.
Comment: The p.R93K variant (also known as c.278G>A), located in coding exon 3 of the SRP72 gene, results from a G to A substitution at nucleotide position 278. The arginine at codon 93 is replaced by lysine, an amino acid with highly similar properties. This amino acid position is conserved. In addition, the in silico prediction for this alteration is inconclusive. Based on the available evidence, the clinical significance of this variant remains unclear.